The following is an entry in ClinVar:

NM_017841.4(SDHAF2):c.-5G>A

Gene: SDHAF2 (succinate dehydrogenase complex assembly factor 2; plus strand). Cytogenetic location: 11q12.2.
Variant type: single nucleotide variant.
Coding change: c.-5G>A on transcript NM_017841.4 (MANE Select); 5 bases upstream of the start codon, G replaced by A.
Molecular consequence: 5 prime UTR variant.
Genome position (GRCh38, 1-based): chr11:61,430,142, G>A. VCF-style: chr11-61430142-G-A. GRCh37 (hg19) VCF-style: chr11-61197614-G-A.
Identifiers: ClinVar variation 1751001 (VCV001751001.3), dbSNP rs549705433, ClinGen allele CA059519.

ClinVar aggregate classification (germline): Uncertain significance (1 of 4 stars; one submission).

Conditions:
Hereditary cancer-predisposing syndrome. Also called: Hereditary Cancer Syndrome; Hereditary neoplastic syndrome; Neoplastic Syndromes, Hereditary; Tumor predisposition. Identifiers: Orphanet 140162, MedGen C0027672, MeSH D009386, MONDO:0015356.

Allele frequency attached by ClinVar (database versions not stated): ExAC 0.00001; gnomAD 0.00001; 1000 Genomes Project 30x 0.00016; 1000 Genomes Project 0.00020.
gnomAD v4.1: 1 of 1,614,206 alleles (0.000062%); highest among the groups gnomAD compares: African/African-American, 0.0013%; no homozygotes.

Submission:

Ambry Genetics
Classification: Uncertain significance for Hereditary cancer-predisposing syndrome. Last evaluated: 2025-05-09. Review status: criteria provided, single submitter. Criteria: Ambry Variant Classification Scheme 2023. Collection method: clinical testing. Allele origin: germline.
Comment: The c.-5G>A variant is located in the 5' untranslated region (5&rsquo; UTR) of the SDHAF2 gene. This variant results from a G to A substitution 5 bases upstream from the first translated codon. This nucleotide position is well conserved in available vertebrate species. Based on the available evidence, the clinical significance of this variant remains unclear.